The following is an entry in ClinVar:

ClinVar aggregate classification (germline): Uncertain significance. Review status: criteria provided, multiple submitters, no conflicts (2 of 4 stars). 2 submissions from 2 submitters: Uncertain significance (2). Last evaluated 2023-11-30.

Conditions:
Arrhythmogenic right ventricular dysplasia 8 (ARVD8). Also called: Arrhythmogenic Right Ventricular Dysplasia/Cardiomyopathy 8; ARRHYTHMOGENIC RIGHT VENTRICULAR DYSPLASIA, FAMILIAL, 8; ARRHYTHMOGENIC RIGHT VENTRICULAR CARDIOMYOPATHY 8. Identifiers: MedGen C1843896, MONDO:0011831, OMIM 607450.
Arrhythmogenic cardiomyopathy with wooly hair and keratoderma. Also called: Carvajal syndrome; PALMOPLANTAR KERATODERMA WITH LEFT VENTRICULAR CARDIOMYOPATHY AND WOOLLY HAIR; Dilated cardiomyopathy with woolly hair and keratoderma; Arrhythmogenic cardiomyopathy with woolly hair and keratoderma. Identifiers: Orphanet 65282, MedGen C1854063, MONDO:0011581, OMIM 605676.

Allele frequency attached by ClinVar (database versions not stated): gnomAD exomes below 0.00001; gnomAD 0.00001.
gnomAD v4.1: 2 of 1,614,080 alleles (0.00012%); highest among the groups gnomAD compares: Non-Finnish European, 0.00017%; no homozygotes.

Submissions (2):

All of Us Research Program, National Institutes of Health
Classification: Uncertain significance for Arrhythmogenic cardiomyopathy with wooly hair and keratoderma. Last evaluated: 2023-11-30. Review status: criteria provided, single submitter. Criteria: ACMG Guidelines, 2015. Collection method: clinical testing. Allele origin: germline. Inheritance: Autosomal dominant inheritance. Observed: 1 variant allele, 1 heterozygote.
Comment: This study involves interpretation of variants in research participants for the purpose of population health screening. Participant phenotype was not available at the time of variant classification. Additional details can be found in publication PMID: 35346344, PMCID: PMC8962531

Labcorp Genetics (formerly Invitae), Labcorp
Classification: Uncertain significance for Arrhythmogenic cardiomyopathy with wooly hair and keratoderma; Arrhythmogenic right ventricular dysplasia 8. Last evaluated: 2021-09-04. Review status: criteria provided, single submitter. Criteria: Invitae Variant Classification Sherloc (09022015). Collection method: clinical testing. Allele origin: germline.
Comment: This sequence change replaces glutamic acid with glycine at codon 2721 of the DSP protein (p.Glu2721Gly). The glutamic acid residue is highly conserved and there is a moderate physicochemical difference between glutamic acid and glycine. This variant is not present in population databases (ExAC no frequency). This variant has not been reported in the literature in individuals affected with DSP-related conditions. Algorithms developed to predict the effect of missense changes on protein structure and function (SIFT, PolyPhen-2, Align-GVGD) all suggest that this variant is likely to be disruptive. In summary, the available evidence is currently insufficient to determine the role of this variant in disease. Therefore, it has been classified as a Variant of Uncertain Significance.

NM_004415.4(DSP):c.8162A>G (p.Glu2721Gly)

Gene: DSP (desmoplakin; plus strand). Cytogenetic location: 6p24.3.
Variant type: single nucleotide variant.
Coding change: c.8162A>G on transcript NM_004415.4 (MANE Select); coding-DNA position 8162, A replaced by G.
Protein change: p.Glu2721Gly; replaces glutamic acid 2721 with glycine.
Molecular consequence: missense variant.
Genome position (GRCh38, 1-based): chr6:7,585,424, A>G. VCF-style: chr6-7585424-A-G. GRCh37 (hg19) VCF-style: chr6-7585657-A-G.
Other names: c.6365A>G, p.Glu2122Gly (NM_001008844.3); c.6833A>G, p.Glu2278Gly (NM_001319034.2); short protein forms E2122G, E2721G, E2278G.
Identifiers: ClinVar variation 1361157 (VCV001361157.7), dbSNP rs1324438820, ClinGen allele CA362694576.